The following is an entry in ClinVar:

ClinVar aggregate classification (germline): Likely benign. Review status: criteria provided, multiple submitters, no conflicts (2 of 4 stars). 2 submissions from 2 submitters: Likely benign (2). Last evaluated 2024-09-01.

Conditions:
Inborn genetic diseases. Identifiers: MedGen C0950123, MeSH D030342.

Allele frequency attached by ClinVar (database versions not stated): gnomAD exomes below 0.00001.
gnomAD v4.1: 4 of 1,612,416 alleles (0.00025%); highest among the groups gnomAD compares: African/African-American, 0.0027%; no homozygotes.

Submissions (2):

CeGaT Center for Human Genetics Tuebingen
Classification: Likely benign. Last evaluated: 2024-09-01. Review status: criteria provided, single submitter. Criteria: CeGaT Center For Human Genetics Tuebingen Variant Classification Criteria Version 2. Collection method: clinical testing. Allele origin: germline. Affected: yes. Observed: 1 variant allele.
Comment: LRRK2: BP4, BP7

Ambry Genetics
Classification: Likely benign for Inborn genetic diseases. Last evaluated: 2022-04-21. Review status: criteria provided, single submitter. Criteria: Ambry Variant Classification Scheme 2023. Collection method: clinical testing. Allele origin: germline.

NM_198578.4(LRRK2):c.6309A>G (p.Pro2103=)

Gene: LRRK2 (leucine rich repeat kinase 2; plus strand). Cytogenetic location: 12q12.
Variant type: single nucleotide variant.
Coding change: c.6309A>G on transcript NM_198578.4 (MANE Select); coding-DNA position 6309, A replaced by G.
Protein change: p.Pro2103=; no amino-acid change (proline 2103 retained).
Molecular consequence: synonymous variant.
Genome position (GRCh38, 1-based): chr12:40,348,437, A>G. VCF-style: chr12-40348437-A-G. GRCh37 (hg19) VCF-style: chr12-40742239-A-G.
Identifiers: ClinVar variation 1752762 (VCV001752762.16), dbSNP rs2499972545, ClinGen allele CA479240117.